The following is an entry in ClinVar:

NM_020822.3(KCNT1):c.3669G>C (p.Ser1223=)

Gene: KCNT1 (potassium sodium-activated channel subfamily T member 1; plus strand). Cytogenetic location: 9q34.3.
Variant type: single nucleotide variant.
Coding change: c.3669G>C on transcript NM_020822.3 (MANE Select); coding-DNA position 3669, G replaced by C.
Protein change: p.Ser1223=; no amino-acid change (serine 1223 retained).
Molecular consequence: synonymous variant.
Genome position (GRCh38, 1-based): chr9:135,792,122, G>C. VCF-style: chr9-135792122-G-C. GRCh37 (hg19) VCF-style: chr9-138683968-G-C.
Other names: c.3597G>C, p.Ser1199= (NM_001272003.2).
Identifiers: ClinVar variation 386977 (VCV000386977.13), dbSNP rs556454353, ClinGen allele CA16605634.
Genomic context (GRCh38, chr9:135,792,122, plus strand): 5'-CCTGGCTCACGTGGCCAGCAGCTCCCAGAGCCGGAAGAGCAGCTGCAGCCACAAGCTGTC[G>C]TCCTGCAACCCCGAGACTCGCGACGAGACACAGCTCTGAGCCAGCCCTGCACGGAGCTCA-3'
Protein context (NP_065873.2, residues 1213-1233): SRKSSCSHKL[Ser1223=]SCNPETRDET

ClinVar aggregate classification (germline): Likely benign. Review status: criteria provided, multiple submitters, no conflicts (2 of 4 stars). 4 submissions from 3 submitters: Likely benign (4). Last evaluated 2025-11-25.

Conditions:
Developmental and epileptic encephalopathy, 14 (DEE14). Also called: Early infantile epileptic encephalopathy 14. Identifiers: Orphanet 293181, MedGen C3554195, MONDO:0013989, OMIM 614959.
Autosomal dominant nocturnal frontal lobe epilepsy 5. Also called: KCNT1-Related Epilepsy; CILIARY DYSKINESIA, PRIMARY, 28, WITHOUT SITUS INVERSUS; CILIARY DYSKINESIA, PRIMARY, 28, WITH SITUS INVERSUS; Epilepsy, nocturnal frontal lobe, 5. Identifiers: Orphanet 98784, MedGen C3554306, MONDO:0014002, OMIM 615005.

Allele frequency attached by ClinVar (database versions not stated): TOPMed 0.00004; gnomAD 0.00006.
gnomAD v4.1: 25 of 1,605,842 alleles (0.0016%); highest among the groups gnomAD compares: Admixed American, 0.017%; no homozygotes.

Submissions (4):

Labcorp Genetics (formerly Invitae), Labcorp
Classification: Likely benign for Autosomal dominant nocturnal frontal lobe epilepsy 5; Developmental and epileptic encephalopathy, 14. Last evaluated: 2025-11-25. Review status: criteria provided, single submitter. Criteria: Invitae Variant Classification Sherloc (09022015). Collection method: clinical testing. Allele origin: germline.

Genome-Nilou Lab
Classification: Likely benign for Developmental and epileptic encephalopathy, 14. Last evaluated: 2022-03-15. Review status: criteria provided, single submitter. Criteria: ACMG Guidelines, 2015. Collection method: clinical testing. Allele origin: germline. Affected: no.

Genome-Nilou Lab
Classification: Likely benign for Autosomal dominant nocturnal frontal lobe epilepsy 5. Last evaluated: 2022-03-15. Review status: criteria provided, single submitter. Criteria: ACMG Guidelines, 2015. Collection method: clinical testing. Allele origin: germline. Affected: no.

GeneDx
Classification: Likely benign. Last evaluated: 2018-03-16. Review status: criteria provided, single submitter. Criteria: GeneDx Variant Classification (06012015). Collection method: clinical testing. Allele origin: germline. Affected: yes.
Comment: This variant is considered likely benign or benign based on one or more of the following criteria: it is a conservative change, it occurs at a poorly conserved position in the protein, it is predicted to be benign by multiple in silico algorithms, and/or has population frequency not consistent with disease.